The following is an entry in ClinVar:

NM_001370466.1(NOD2):c.2822A>G (p.Gln941Arg)

Gene: NOD2 (nucleotide binding oligomerization domain containing 2; plus strand). Cytogenetic location: 16q12.1.
Variant type: single nucleotide variant.
Coding change: c.2822A>G on transcript NM_001370466.1 (MANE Select); coding-DNA position 2822, A replaced by G.
Protein change: p.Gln941Arg; replaces glutamine 941 with arginine.
Molecular consequence: missense variant. On other transcripts: non-coding transcript variant (1).
Genome position (GRCh38, 1-based): chr16:50,725,509, A>G. VCF-style: chr16-50725509-A-G. GRCh37 (hg19) VCF-style: chr16-50759420-A-G.
Other names: c.2822A>G, p.Gln941Arg (NM_001293557.2); c.2903A>G, p.Gln968Arg (NM_022162.3); short protein forms Q941R, Q968R.
Identifiers: ClinVar variation 3752126 (VCV003752126.2).

ClinVar aggregate classification (germline): Uncertain significance (1 of 4 stars; one submission).

Conditions:
Regional enteritis. Also called: Enteritis, Granulomatous. Identifiers: MedGen C0678202, MeSH D003424.
Blau syndrome (BLAUS). Also called: GRANULOMATOSIS, FAMILIAL JUVENILE SYSTEMIC; GRANULOMATOSIS, FAMILIAL, BLAU TYPE; GRANULOMATOUS INFLAMMATORY ARTHRITIS, DERMATITIS, AND UVEITIS, FAMILIAL; JABS SYNDROME; ARTHROCUTANEOUVEAL GRANULOMATOSIS. Identifiers: Orphanet 90340, MedGen C5201146, MONDO:0008523, OMIM 186580.

gnomAD v4.1: 1 of 1,614,030 alleles (0.000062%); highest among the groups gnomAD compares: Non-Finnish European, 0.000085%; no homozygotes.

Submission:

Labcorp Genetics (formerly Invitae), Labcorp
Classification: Uncertain significance for Regional enteritis; Blau syndrome. Last evaluated: 2024-02-03. Review status: criteria provided, single submitter. Criteria: Invitae Variant Classification Sherloc (09022015). Collection method: clinical testing. Allele origin: germline.
Comment: This sequence change replaces glutamine, which is neutral and polar, with arginine, which is basic and polar, at codon 968 of the NOD2 protein (p.Gln968Arg). This variant is not present in population databases (gnomAD no frequency). This variant has not been reported in the literature in individuals affected with NOD2-related conditions. Advanced modeling of protein sequence and biophysical properties (such as structural, functional, and spatial information, amino acid conservation, physicochemical variation, residue mobility, and thermodynamic stability) performed at Invitae indicates that this missense variant is not expected to disrupt NOD2 protein function with a negative predictive value of 95%. In summary, the available evidence is currently insufficient to determine the role of this variant in disease. Therefore, it has been classified as a Variant of Uncertain Significance.